The following is an entry in ClinVar:

GRCh38/hg38 22q11.21(chr22:20354600-21053401)x1

Genes: AIFM3 (AIF family member 3; plus strand), CRKL (CRK like proto-oncogene, adaptor protein; plus strand), KLHL22 (kelch like family member 22; minus strand), LINC01637 (long independently transcribed non-coding RNA 1637; plus strand), LRRC74B (leucine rich repeat containing 74B; plus strand) and 60 more. Cytogenetic location: 22q11.21.
Variant type: copy number loss.
Change: copy number 1 (one copy instead of two) of chr22:20,354,600-21,053,401 (698.8 kb, GRCh38 coordinates, 1-based), cytogenetic band 22q11.21.
Identifiers: ClinVar variation 59230 (VCV000059230.1).

ClinVar aggregate classification (germline): Pathogenic (1 of 4 stars; one submission).

Submission:

ISCA site 14
Classification: Pathogenic. Last evaluated: 2011-08-12. Review status: criteria provided, single submitter. Criteria: Kaminsky et al. (Genet Med. 2011). Collection method: clinical testing. Allele origin: unknown. Affected: yes. Observed: 1 variant allele.
Comment: Copy number variation identified through the course of routine clinical cytogenomic testing in postnatal populations. Clinical assertions have been curated as described in Kaminsky et al. 2011.